The following is an entry in ClinVar:

ClinVar aggregate classification (germline): Conflicting classifications of pathogenicity. Review status: criteria provided, conflicting classifications (1 of 4 stars). 7 submissions from 7 submitters: Uncertain significance (5); Likely benign (2). Last evaluated 2026-06-11.

Conditions:
COL6A3-related disorder. Also called: COL6A3-related condition; COL6A3-related disorders.
Collagen 6-related myopathy. Identifiers: MedGen CN117976, MONDO:0100225.
Ullrich congenital muscular dystrophy 1A. Also called: Intermediate COL6-RD; Ullrich congenital muscular dystrophy 1. Identifiers: Orphanet 75840, MedGen C0410179, MONDO:0009681, OMIM 254090.
Bethlem myopathy 1A. Also called: Bethlem Muscular Dystrophy; MYOPATHY, BENIGN CONGENITAL, WITH CONTRACTURES; Bethlem myopathy 1. Identifiers: Orphanet 610, MedGen CN029274, MONDO:0024530, OMIM 158810.

Allele frequency attached by ClinVar (database versions not stated): ExAC 0.00002; gnomAD exomes 0.00002; gnomAD 0.00004; TOPMed 0.00005.
gnomAD v4.1: 47 of 1,614,044 alleles (0.0029%); highest among the groups gnomAD compares: Admixed American, 0.0067%; no homozygotes.

Submissions (7):

PreventionGenetics, part of Exact Sciences
Classification: Uncertain significance for COL6A3-related condition. Last evaluated: 2026-06-11. Review status: criteria provided, single submitter. Criteria: ACMG Guidelines, 2015. Collection method: clinical testing. Allele origin: germline.
Comment: The COL6A3 c.7607C>T variant is predicted to result in the amino acid substitution p.Ala2536Val. This variant was reported in a large cohort study as a variant of uncertain significance in an individual with limb girdle muscular dystrophy (Nallamilli et al 2018. PubMed ID: 30564623). This variant is reported in 0.0044% of alleles in individuals of European (Non-Finnish) descent in gnomAD. Although we suspect that this variant may be benign, at this time, the clinical significance of this variant is uncertain due to the absence of conclusive functional and genetic evidence.

Labcorp Genetics (formerly Invitae), Labcorp
Classification: Likely benign for Bethlem myopathy 1A. Last evaluated: 2025-10-29. Review status: criteria provided, single submitter. Criteria: Invitae Variant Classification Sherloc (09022015). Collection method: clinical testing. Allele origin: germline.

Laboratorio de Genetica e Diagnostico Molecular, Hospital Israelita Albert Einstein
Classification: Uncertain significance for Ullrich congenital muscular dystrophy 1A. Last evaluated: 2022-10-03. Review status: criteria provided, single submitter. Criteria: ACMG Guidelines, 2015. Collection method: clinical testing. Allele origin: germline. Affected: yes. Observed: 1 variant allele.
Comment: ACMG classification criteria: PM2 moderated

GeneDx
Classification: Uncertain significance. Last evaluated: 2020-11-05. Review status: criteria provided, single submitter. Criteria: GeneDx Variant Classification Process June 2021. Collection method: clinical testing. Allele origin: germline. Affected: yes.
Comment: Observed in the heterozygous state in a patient with limb-girdle muscular dystrophy (Nallamilli et al., 2018); In silico analysis, which includes protein predictors and evolutionary conservation, supports that this variant does not alter protein structure/function; This variant is associated with the following publications: (PMID: 30564623)

Revvity Omics, Revvity
Classification: Uncertain significance. Last evaluated: 2019-05-17. Review status: criteria provided, single submitter. Criteria: ACMG Guidelines, 2015. Collection method: clinical testing. Allele origin: germline.

Illumina Laboratory Services, Illumina
Classification: Likely benign for Collagen VI-related myopathy. Last evaluated: 2018-01-12. Review status: criteria provided, single submitter. Criteria: ICSL Variant Classification Criteria 13 December 2019. Collection method: clinical testing. Allele origin: germline.
Comment: This variant was observed in the ICSL laboratory as part of a predisposition screen in an ostensibly healthy population. It had not been previously curated by ICSL or reported in the Human Gene Mutation Database (HGMD: prior to June 1st, 2018), and was therefore a candidate for classification through an automated scoring system. Utilizing variant allele frequency, disease prevalence and penetrance estimates, and inheritance mode, an automated score was calculated to assess if this variant is too frequent to cause the disease. Based on the score and internal cut-off values, a variant classified as likely benign is not then subjected to further curation. The score for this variant resulted in a classification of likely benign for this disease.

Eurofins Ntd Llc (ga)
Classification: Uncertain significance. Last evaluated: 2017-01-06. Review status: criteria provided, single submitter. Criteria: EGL Classification Definitions 2015. Collection method: clinical testing. Allele origin: germline. Observed: 3 variant alleles, 3 heterozygotes.

NM_004369.4(COL6A3):c.7607C>T (p.Ala2536Val)

Gene: COL6A3 (collagen type VI alpha 3 chain; minus strand). Cytogenetic location: 2q37.3.
Variant type: single nucleotide variant.
Coding change: c.7607C>T on transcript NM_004369.4 (MANE Select); coding-DNA position 7607, C replaced by T.
Protein change: p.Ala2536Val; replaces alanine 2536 with valine.
Molecular consequence: missense variant.
Genome position (GRCh38, 1-based): chr2:237,344,411, G>A on the plus strand (C>T on the coding strand, the complement: COL6A3 is on the minus strand). VCF-style: chr2-237344411-G-A. GRCh37 (hg19) VCF-style: chr2-238253054-G-A.
Other names: c.5786C>T, p.Ala1929Val (NM_057166.5); c.6989C>T, p.Ala2330Val (NM_057167.4); short protein forms A2536V, A1929V, A2330V.
Identifiers: ClinVar variation 282195 (VCV000282195.23), dbSNP rs769072338, ClinGen allele CA2187767.